The following is an entry in ClinVar:

ClinVar aggregate classification (germline): Likely benign. Review status: criteria provided, multiple submitters, no conflicts (2 of 4 stars). 3 submissions from 3 submitters: Likely benign (3). Last evaluated 2023-04-28.

Conditions:
Hereditary cancer-predisposing syndrome. Also called: Neoplastic Syndromes, Hereditary; Hereditary Cancer Syndrome; Tumor predisposition; Hereditary neoplastic syndrome. Identifiers: Orphanet 140162, MedGen C0027672, MeSH D009386, MONDO:0015356.
Lynch syndrome. Identifiers: Orphanet 144, MedGen C4552100, MONDO:0005835. Disease mechanism: loss of function.
Hereditary nonpolyposis colorectal neoplasms. Identifiers: MedGen C0009405, MeSH D003123.

Submissions (3):

All of Us Research Program, National Institutes of Health
Classification: Likely benign for Lynch syndrome. Last evaluated: 2023-04-28. Review status: criteria provided, single submitter. Criteria: ACMG Guidelines, 2015. Collection method: clinical testing. Allele origin: germline. Inheritance: Autosomal dominant inheritance. Observed: 1 variant allele, 1 heterozygote.
Comment: This study involves interpretation of variants in research participants for the purpose of population health screening. Participant phenotype was not available at the time of variant classification. Additional details can be found in publication PMID: 35346344, PMCID: PMC8962531

Labcorp Genetics (formerly Invitae), Labcorp
Classification: Likely benign for Hereditary nonpolyposis colorectal neoplasms. Last evaluated: 2022-12-04. Review status: criteria provided, single submitter. Criteria: Invitae Variant Classification Sherloc (09022015). Collection method: clinical testing. Allele origin: germline.

Ambry Genetics
Classification: Likely benign for Hereditary cancer-predisposing syndrome. Last evaluated: 2015-08-06. Review status: criteria provided, single submitter. Criteria: Ambry Variant Classification Scheme 2023. Collection method: clinical testing. Allele origin: germline.

NM_000179.3(MSH6):c.837C>T (p.Ser279=)

Gene: MSH6 (mutS homolog 6; plus strand). Cytogenetic location: 2p16.3.
Variant type: single nucleotide variant.
Coding change: c.837C>T on transcript NM_000179.3 (MANE Select); coding-DNA position 837, C replaced by T.
Protein change: p.Ser279=; no amino-acid change (serine 279 retained).
Molecular consequence: synonymous variant. On other transcripts: 5 prime UTR variant (2).
Genome position (GRCh38, 1-based): chr2:47,798,820, C>T. VCF-style: chr2-47798820-C-T. GRCh37 (hg19) VCF-style: chr2-48025959-C-T.
Other names: c.447C>T, p.Ser149= (NM_001281492.2); c.-70C>T (NM_001281493.2, NM_001281494.2).
Identifiers: ClinVar variation 744364 (VCV000744364.13), dbSNP rs1558659436, ClinGen allele CA426120916.